The following is an entry in ClinVar:

NM_004946.3(DOCK2):c.1483-30G>A

Gene: DOCK2 (dedicator of cytokinesis 2; plus strand). Cytogenetic location: 5q35.1.
Variant type: single nucleotide variant.
Coding change: c.1483-30G>A on transcript NM_004946.3 (MANE Select); 30 bases into the intron before coding-DNA position 1483, G replaced by A.
Molecular consequence: intron variant.
Genome position (GRCh38, 1-based): chr5:169,711,905, G>A. VCF-style: chr5-169711905-G-A. GRCh37 (hg19) VCF-style: chr5-169138909-G-A.
Identifiers: ClinVar variation 2688089 (VCV002688089.2), dbSNP rs2306558, ClinGen allele CA3553491.

ClinVar aggregate classification (germline): Benign (1 of 4 stars; one submission).

Allele frequency attached by ClinVar (database versions not stated): TOPMed 0.31304; 1000 Genomes Project 30x 0.31527; ESP Exome Variant Server 0.31778; gnomAD 0.32342; 1000 Genomes Project 0.32927; ExAC 0.36793; gnomAD exomes 0.40036.
gnomAD v4.1: 633,560 of 1,612,506 alleles (39%); highest among the groups gnomAD compares: East Asian, 57%; 129,233 homozygotes.

Submission:

Unidad de Genómica Garrahan, Hospital de Pediatría Garrahan
Classification: Benign. Last evaluated: 2024-01-24. Review status: criteria provided, single submitter. Criteria: ACMG Guidelines, 2015. Collection method: clinical testing. Allele origin: germline. Affected: no. Observed: 53 variant alleles.
Comment: This variant is classified as Benign based on local population frequency. This variant was detected in 56% of patients studied by a panel of primary immunodeficiencies. Number of patients: 53. Only high quality variants are reported.